The following is an entry in ClinVar:

ClinVar aggregate classification (germline): Uncertain significance. Review status: criteria provided, multiple submitters, no conflicts (2 of 4 stars). 3 submissions from 3 submitters: Uncertain significance (3). Last evaluated 2025-10-23.

Conditions:
Hereditary cancer-predisposing syndrome. Also called: Tumor predisposition; Neoplastic Syndromes, Hereditary; Hereditary Cancer Syndrome; Hereditary neoplastic syndrome. Identifiers: Orphanet 140162, MedGen C0027672, MeSH D009386, MONDO:0015356.
Peutz-Jeghers syndrome (PJS). Also called: POLYPOSIS, HAMARTOMATOUS INTESTINAL; POLYPS-AND-SPOTS SYNDROME; Peutz-Jeghers polyposis; Periorificial lentiginosis syndrome. Identifiers: Orphanet 2869, MedGen C0031269, MeSH D010580, MONDO:0008280, OMIM 175200.

Submissions (3):

Ambry Genetics
Classification: Uncertain significance for Hereditary cancer-predisposing syndrome. Last evaluated: 2025-10-23. Review status: criteria provided, single submitter. Criteria: Ambry Variant Classification Scheme 2023. Collection method: clinical testing. Allele origin: germline.
Comment: The p.K423E variant (also known as c.1267A>G), located in coding exon 9 of the STK11 gene, results from an A to G substitution at nucleotide position 1267. The lysine at codon 423 is replaced by glutamic acid, an amino acid with similar properties. This amino acid position is well conserved in available vertebrate species. In addition, the in silico prediction for this alteration is inconclusive. Since supporting evidence is limited at this time, the clinical significance of this alteration remains unclear.

Labcorp Genetics (formerly Invitae), Labcorp
Classification: Uncertain significance for Peutz-Jeghers syndrome. Last evaluated: 2024-09-03. Review status: criteria provided, single submitter. Criteria: Invitae Variant Classification Sherloc (09022015). Collection method: clinical testing. Allele origin: germline.
Comment: This sequence change replaces lysine, which is basic and polar, with glutamic acid, which is acidic and polar, at codon 423 of the STK11 protein (p.Lys423Glu). This variant is not present in population databases (gnomAD no frequency). This variant has not been reported in the literature in individuals affected with STK11-related conditions. ClinVar contains an entry for this variant (Variation ID: 492516). Invitae Evidence Modeling of protein sequence and biophysical properties (such as structural, functional, and spatial information, amino acid conservation, physicochemical variation, residue mobility, and thermodynamic stability) indicates that this missense variant is not expected to disrupt STK11 protein function with a negative predictive value of 95%. In summary, the available evidence is currently insufficient to determine the role of this variant in disease. Therefore, it has been classified as a Variant of Uncertain Significance.

Color Diagnostics, LLC DBA Color Health
Classification: Uncertain significance for Hereditary cancer-predisposing syndrome. Last evaluated: 2024-03-06. Review status: criteria provided, single submitter. Criteria: ACMG Guidelines, 2015. Collection method: clinical testing. Allele origin: germline.
Comment: This missense variant replaces lysine with glutamic acid at codon 423 of the STK11 protein. Computational prediction suggests that this variant may not impact protein structure and function (internally defined REVEL score threshold <= 0.5, PMID: 27666373). To our knowledge, functional studies have not been reported for this variant. This variant has not been reported in individuals affected with hereditary cancer in the literature. This variant has not been identified in the general population by the Genome Aggregation Database (gnomAD). The available evidence is insufficient to determine the role of this variant in disease conclusively. Therefore, this variant is classified as a Variant of Uncertain Significance.

NM_000455.5(STK11):c.1267A>G (p.Lys423Glu)

Gene: STK11 (serine/threonine kinase 11; plus strand). Cytogenetic location: 19p13.3.
Variant type: single nucleotide variant.
Coding change: c.1267A>G on transcript NM_000455.5 (MANE Select); coding-DNA position 1267, A replaced by G.
Protein change: p.Lys423Glu; replaces lysine 423 with glutamic acid.
Molecular consequence: missense variant.
Genome position (GRCh38, 1-based): chr19:1,226,612, A>G. VCF-style: chr19-1226612-A-G. GRCh37 (hg19) VCF-style: chr19-1226611-A-G.
Other names: short protein forms K423E.
Identifiers: ClinVar variation 492516 (VCV000492516.17), dbSNP rs1555740268, ClinGen allele CA402954128.
Genomic context (GRCh38, chr19:1,226,612, plus strand): 5'-AAATCCAGGGCGGAGGGCCGGGCCCCCAACCCTGCCCGCAAGGCCTGCTCCGCCAGCAGC[A>G]AGATCCGCCGGCTGTCGGCCTGCAAGCAGCAGTGAGGCTGGCCGCCTGCAGGTGGGGCGC-3'
Protein context (NP_000446.1, residues 413-433): PARKACSASS[Lys423Glu]IRRLSACKQQ